The following is an entry in ClinVar:

NM_030957.4(ADAMTS10):c.1212C>T (p.Gly404=)

Gene: ADAMTS10 (ADAM metallopeptidase with thrombospondin type 1 motif 10; minus strand). Cytogenetic location: 19p13.2.
Variant type: single nucleotide variant.
Coding change: c.1212C>T on transcript NM_030957.4 (MANE Select); coding-DNA position 1212, C replaced by T.
Protein change: p.Gly404=; no amino-acid change (glycine 404 retained).
Molecular consequence: synonymous variant.
Genome position (GRCh38, 1-based): chr19:8,596,198, G>A on the plus strand (C>T on the coding strand, the complement: ADAMTS10 is on the minus strand). VCF-style: chr19-8596198-G-A. GRCh37 (hg19) VCF-style: chr19-8661082-G-A.
Other names: c.1212C>T (NM_030957.3).
Identifiers: ClinVar variation 893641 (VCV000893641.8), dbSNP rs1555740123, ClinGen allele CA505423086.

ClinVar aggregate classification (germline): Conflicting classifications of pathogenicity. Review status: criteria provided, conflicting classifications (1 of 4 stars). 3 submissions from 3 submitters: Uncertain significance (1); Likely benign (2). Last evaluated 2025-06-25.

Conditions:
Weill-Marchesani syndrome. Also called: WM Syndrome; Mesodermal dysmorphodystrophy congenital. Identifiers: Orphanet 3449, MedGen C0265313, MONDO:0018096.
ADAMTS10-related disorder. Also called: ADAMTS10-related condition.

Allele frequency attached by ClinVar (database versions not stated): TOPMed below 0.00001; gnomAD 0.00001; gnomAD exomes 0.00001 and 0.00002.
gnomAD v4.1: 24 of 1,613,854 alleles (0.0015%); highest among the groups gnomAD compares: Admixed American, 0.0033%; no homozygotes.

Submissions (3):

PreventionGenetics, part of Exact Sciences
Classification: Likely benign for ADAMTS10-related condition. Last evaluated: 2025-06-25. Review status: criteria provided, single submitter. Criteria: ACMG Guidelines, 2015. Collection method: clinical testing. Allele origin: germline.
Comment: This variant is classified as likely benign based on ACMG/AMP sequence variant interpretation guidelines (Richards et al. 2015 PMID: 25741868, with internal and published modifications).

Labcorp Genetics (formerly Invitae), Labcorp
Classification: Likely benign. Last evaluated: 2025-04-29. Review status: criteria provided, single submitter. Criteria: Invitae Variant Classification Sherloc (09022015). Collection method: clinical testing. Allele origin: germline.

Illumina Laboratory Services, Illumina
Classification: Uncertain significance for Weill-Marchesani syndrome. Last evaluated: 2018-01-13. Review status: criteria provided, single submitter. Criteria: ICSL Variant Classification Criteria 13 December 2019. Collection method: clinical testing. Allele origin: germline.